The following is an entry in ClinVar:

ClinVar aggregate classification (germline): Uncertain significance (1 of 4 stars; one submission).

Submission:

Women's Health and Genetics/Laboratory Corporation of America, LabCorp
Classification: Uncertain significance. Last evaluated: 2022-08-04. Review status: criteria provided, single submitter. Criteria: LabCorp Variant Classification Summary - May 2015. Collection method: clinical testing. Allele origin: germline.
Comment: Variant summary: The variant identified by MLPA or other technology involves the duplication of exons 2-8 (full coding region) in the SERPINF1 gene. A presumed nomenclature of c.(-9+1_-8-1)_(*129_?)dup has been designated for the purposes of this classification. It has been assumed that this is a tandem duplication in direct orientation (Richardson_GIM_2018, Newman_AJHG_2015). Although exact breakpoints of this duplication are not known, it is expected to result in a duplication of the full coding sequence of the SERPINF1 gene. The variant was absent in 21694 control chromosomes (gnomAD SVs). To our knowledge, no occurrence of c.(-9+1_-8-1)_(*129_?)dup in individuals affected with Osteogenesis Imperfecta and no experimental evidence demonstrating its impact on protein function have been reported. No clinical diagnostic laboratories have submitted clinical-significance assessments for this variant to ClinVar after 2014. Based on the evidence outlined above, the variant was classified as uncertain significance.

NC_000017.10:g.(1665408_1670196)_(1680869_?)dup

Gene: SERPINF1 (serpin family F member 1; plus strand). Cytogenetic location: 17p13.3.
Variant type: Duplication.
Identifiers: ClinVar variation 1705034 (VCV001705034.1).